The following is an entry in ClinVar:

ClinVar aggregate classification (germline): Benign (1 of 4 stars; one submission).

Conditions:
Lethal polymalformative syndrome, Boissel type. Also called: GROWTH RETARDATION, DEVELOPMENTAL DELAY, AND FACIAL DYSMORPHISM. Identifiers: Orphanet 210144, MedGen C2752001, MONDO:0013050, OMIM 612938.

Allele frequency attached by ClinVar (database versions not stated): gnomAD 0.03661 and 0.03948; 1000 Genomes Project 0.03934; TOPMed 0.04125; 1000 Genomes Project 30x 0.04263.

Submission:

Illumina Laboratory Services, Illumina
Classification: Benign for Lethal polymalformative syndrome, Boissel type. Last evaluated: 2018-01-12. Review status: criteria provided, single submitter. Criteria: ICSL Variant Classification Criteria 13 December 2019. Collection method: clinical testing. Allele origin: germline.
Comment: This variant was observed in the ICSL laboratory as part of a predisposition screen in an ostensibly healthy population. It had not been previously curated by ICSL or reported in the Human Gene Mutation Database (HGMD: prior to June 1st, 2018), and was therefore a candidate for classification through an automated scoring system. Utilizing variant allele frequency, disease prevalence and penetrance estimates, and inheritance mode, an automated score was calculated to assess if this variant is too frequent to cause the disease. Based on the score and internal cut-off values, a variant classified as benign is not then subjected to further curation. The score for this variant resulted in a classification of benign for this disease.

NM_001080432.3(FTO):c.*721T>G

Gene: FTO (FTO alpha-ketoglutarate dependent dioxygenase; plus strand). Cytogenetic location: 16q12.2.
Variant type: single nucleotide variant.
Coding change: c.*721T>G on transcript NM_001080432.3 (MANE Select); 721 bases downstream of the stop codon, T replaced by G.
Molecular consequence: 3 prime UTR variant.
Genome position (GRCh38, 1-based): chr16:54,112,636, T>G. VCF-style: chr16-54112636-T-G. GRCh37 (hg19) VCF-style: chr16-54146548-T-G.
Other names: c.*721T>G (NM_001363891.2, NM_001363894.2, NM_001363896.2 and 6 more transcripts); c.*839T>G (NM_001363903.2); c.*897T>G (NM_001363988.2).
Identifiers: ClinVar variation 319701 (VCV000319701.5), dbSNP rs58094871, ClinGen allele CA10647727.
Genomic context (GRCh38, chr16:54,112,636, plus strand): 5'-CGTCTGTAGCTTCTATCCCCAAAGGCAAAGAAACTAAAAGAGAAATGACTCATTGAAGAT[T>G]GGCCTCTTTCCTTTCTCTAAGACAAACCTAAGTAAAAGCCTGAGCTTTGAGTCCTATGCT-3'